The following is an entry in ClinVar:

ClinVar aggregate classification (germline): Uncertain significance. Review status: criteria provided, multiple submitters, no conflicts (2 of 4 stars). 2 submissions from 2 submitters: Uncertain significance (2). Last evaluated 2026-04-17.

Submissions (2):

GeneDx
Classification: Uncertain significance. Last evaluated: 2026-04-17. Review status: criteria provided, single submitter. Criteria: GeneDx Variant Classification Process June 2021. Collection method: clinical testing. Allele origin: germline.
Comment: Not observed at significant frequency in large population cohorts (gnomAD); In silico analysis suggests that this missense variant does not alter protein structure/function; Has not been previously published as pathogenic or benign to our knowledge

Labcorp Genetics (formerly Invitae), Labcorp
Classification: Uncertain significance. Last evaluated: 2025-05-18. Review status: criteria provided, single submitter. Criteria: Invitae Variant Classification Sherloc (09022015). Collection method: clinical testing. Allele origin: germline.
Comment: This sequence change replaces serine, which is neutral and polar, with threonine, which is neutral and polar, at codon 569 of the ITGB3 protein (p.Ser569Thr). This variant is not present in population databases (gnomAD no frequency). This variant has not been reported in the literature in individuals affected with ITGB3-related conditions. Invitae Evidence Modeling of protein sequence and biophysical properties (such as structural, functional, and spatial information, amino acid conservation, physicochemical variation, residue mobility, and thermodynamic stability) indicates that this missense variant is not expected to disrupt ITGB3 protein function with a negative predictive value of 80%. In summary, the available evidence is currently insufficient to determine the role of this variant in disease. Therefore, it has been classified as a Variant of Uncertain Significance.

NM_000212.3(ITGB3):c.1706G>C (p.Ser569Thr)

Gene: ITGB3 (integrin subunit beta 3; plus strand). Cytogenetic location: 17q21.32.
Variant type: single nucleotide variant.
Coding change: c.1706G>C on transcript NM_000212.3 (MANE Select); coding-DNA position 1706, G replaced by C.
Protein change: p.Ser569Thr; replaces serine 569 with threonine.
Molecular consequence: missense variant.
Genome position (GRCh38, 1-based): chr17:47,299,323, G>C. VCF-style: chr17-47299323-G-C. GRCh37 (hg19) VCF-style: chr17-45376689-G-C.
Other names: short protein forms S569T.
Identifiers: ClinVar variation 4749372 (VCV004749372.2).